The following is an entry in ClinVar:

ClinVar aggregate classification (germline): Uncertain significance. Review status: criteria provided, multiple submitters, no conflicts (2 of 4 stars). 3 submissions from 3 submitters: Uncertain significance (3). Last evaluated 2025-12-14.

Conditions:
Hereditary cancer-predisposing syndrome. Also called: Tumor predisposition; Hereditary neoplastic syndrome; Neoplastic Syndromes, Hereditary; Hereditary Cancer Syndrome. Identifiers: Orphanet 140162, MedGen C0027672, MeSH D009386, MONDO:0015356.
Endometrial carcinoma. Also called: Endometrial carcinoma, somatic. Identifiers: MedGen C0476089, MONDO:0002447, OMIM 608089, HP:0012114.

Allele frequency attached by ClinVar (database versions not stated): gnomAD exomes below 0.00001; gnomAD 0.00001; TOPMed 0.00001.
gnomAD v4.1: 3 of 1,613,864 alleles (0.00019%); highest among the groups gnomAD compares: Middle Eastern, 0.016%; no homozygotes.

Submissions (3):

Labcorp Genetics (formerly Invitae), Labcorp
Classification: Uncertain significance. Last evaluated: 2025-12-14. Review status: criteria provided, single submitter. Criteria: Invitae Variant Classification Sherloc (09022015). Collection method: clinical testing. Allele origin: germline.
Comment: This sequence change replaces glutamic acid, which is acidic and polar, with lysine, which is basic and polar, at codon 1081 of the MSH3 protein (p.Glu1081Lys). This variant is not present in population databases (gnomAD no frequency). This variant has not been reported in the literature in individuals affected with MSH3-related conditions. ClinVar contains an entry for this variant (Variation ID: 959694). An algorithm developed to predict the effect of missense changes on protein structure and function (PolyPhen-2) suggests that this variant is likely to be disruptive. In summary, the available evidence is currently insufficient to determine the role of this variant in disease. Therefore, it has been classified as a Variant of Uncertain Significance.

Ambry Genetics
Classification: Uncertain significance for Hereditary cancer-predisposing syndrome. Last evaluated: 2024-05-07. Review status: criteria provided, single submitter. Criteria: Ambry Variant Classification Scheme 2023. Collection method: clinical testing. Allele origin: germline.
Comment: The p.E1081K variant (also known as c.3241G>A), located in coding exon 23 of the MSH3 gene, results from a G to A substitution at nucleotide position 3241. The glutamic acid at codon 1081 is replaced by lysine, an amino acid with similar properties. This amino acid position is well conserved in available vertebrate species. In addition, the in silico prediction for this alteration is inconclusive. Based on the available evidence, the clinical significance of this variant remains unclear.

Baylor Genetics
Classification: Uncertain significance for Endometrial carcinoma. Last evaluated: 2023-09-22. Review status: criteria provided, single submitter. Criteria: ACMG Guidelines, 2015. Collection method: clinical testing. Allele origin: unknown.

NM_002439.5(MSH3):c.3241G>A (p.Glu1081Lys)

Gene: MSH3 (mutS homolog 3; plus strand). Cytogenetic location: 5q14.1.
Variant type: single nucleotide variant.
Coding change: c.3241G>A on transcript NM_002439.5 (MANE Select); coding-DNA position 3241, G replaced by A.
Protein change: p.Glu1081Lys; replaces glutamic acid 1081 with lysine.
Molecular consequence: missense variant.
Genome position (GRCh38, 1-based): chr5:80,873,226, G>A. VCF-style: chr5-80873226-G-A. GRCh37 (hg19) VCF-style: chr5-80169045-G-A.
Other names: short protein forms E1081K.
Identifiers: ClinVar variation 959694 (VCV000959694.12), dbSNP rs1328941442, ClinGen allele CA360347008.
Genomic context (GRCh38, chr5:80,873,226, plus strand): 5'-AGAGGAATTGCAGCAAGGAGTTATGGATTAAATGTGGCTAAACTAGCAGATGTTCCTGGA[G>A]AAATTTTGAAGAAAGCAGCTCACAAGTCAAAAGAGCTGGAAGGATTAATAAATACGAAAA-3'
Protein context (NP_002430.3, residues 1071-1091): NVAKLADVPG[Glu1081Lys]ILKKAAHKSK